The following is an entry in ClinVar:

ClinVar aggregate classification (germline): Pathogenic/Likely pathogenic. Review status: criteria provided, multiple submitters, no conflicts (2 of 4 stars). 2 submissions from 2 submitters: Pathogenic (1); Likely pathogenic (1). Last evaluated 2024-12-29.

Conditions:
Cystic fibrosis (CF). Also called: MUCOVISCIDOSIS. Identifiers: Orphanet 586, MedGen C0010674, MONDO:0009061, OMIM 219700. Disease mechanism: loss of function.
CFTR-related disorder (CFTR-RD). Also called: CFTR-related disorders; CFTR-related condition. Identifiers: MedGen C5924204, MONDO:7770004.

Submissions (2):

Labcorp Genetics (formerly Invitae), Labcorp
Classification: Pathogenic for Cystic fibrosis. Last evaluated: 2024-12-29. Review status: criteria provided, single submitter. Criteria: Invitae Variant Classification Sherloc (09022015). Collection method: clinical testing. Allele origin: germline.
Comment: This sequence change creates a premature translational stop signal (p.Ser795Tyrfs*8) in the CFTR gene. It is expected to result in an absent or disrupted protein product. Loss-of-function variants in CFTR are known to be pathogenic (PMID: 1695717, 7691345, 9725922). This variant is not present in population databases (gnomAD no frequency). This premature translational stop signal has been observed in individual(s) with CFTR-related conditions (PMID: 26708955). For these reasons, this variant has been classified as Pathogenic.

Natera, Inc.
Classification: Likely pathogenic for CFTR-related disorders. Last evaluated: 2024-05-14. Review status: criteria provided, single submitter. Criteria: Natera Variant Classification Schema (03/2026). Collection method: clinical testing. Allele origin: germline.
Comment: The c.2384delC variant in CFTR is a frameshift variant predicted to shift the reading frame beginning at codon 795 and leads to a stop codon 8 codons downstream. This variant is expected to result in nonsense mediated decay, truncation, or a dysfunctional protein product. This variant is rare in the general population with a frequency below the threshold expected for the associated phenotype(s). Given the available evidence, this variant is classified as Likely Pathogenic.

Literature cited by the submitters: PubMed 1695717 (cited by Labcorp Genetics (formerly Invitae), Labcorp); PubMed 7691345 (cited by Labcorp Genetics (formerly Invitae), Labcorp); PubMed 9725922 (cited by Labcorp Genetics (formerly Invitae), Labcorp); PubMed 26708955 (cited by Labcorp Genetics (formerly Invitae), Labcorp).

NM_000492.4(CFTR):c.2384del (p.Ser795fs)

Gene: CFTR (CF transmembrane conductance regulator; plus strand). Cytogenetic location: 7q31.2.
Variant type: Deletion.
Coding change: c.2384del on transcript NM_000492.4 (MANE Select); coding-DNA position 2384, one base deleted (C; older notation c.2384delC).
Protein change: p.Ser795fs; shifts the reading frame from serine 795.
Molecular consequence: frameshift variant.
Genome position (GRCh38, 1-based): chr7:117,592,551, C deleted. VCF-style (leftmost placement, unchanged base first): chr7-117592550-TC-T. GRCh37 (hg19) VCF-style: chr7-117232604-TC-T.
Other names: short protein forms S795fs.
Identifiers: ClinVar variation 3720768 (VCV003720768.3).
Genomic context (GRCh38, chr7:117,592,550, plus strand): 5'-CACTCAGTTAACCAAGGTCAGAACATTCACCGAAAGACAACAGCATCCACACGAAAAGTG[TC>T]ACTGGCCCCTCAGGCAAACTTGACTGAACTGGATATATATTCAAGAAGGTTATCTCAAGA-3'